The following is an entry in ClinVar:

ClinVar aggregate classification (germline): Conflicting classifications of pathogenicity. Review status: criteria provided, conflicting classifications (1 of 4 stars). 15 submissions from 15 submitters: Uncertain significance (8); Likely benign (7). Last evaluated 2026-04-15.

Conditions:
ATM-related disorder. Also called: ATM-related disorders; ATM-related condition.
Familial colorectal cancer type X. Identifiers: Orphanet 440437, MedGen C3896578, MONDO:0018604.
ATM-related cancer predisposition. Also called: ATM-related cancer susceptibility. Identifiers: MedGen CN377759, MONDO:0700270.
Hereditary cancer-predisposing syndrome. Also called: Tumor predisposition; Neoplastic Syndromes, Hereditary; Hereditary neoplastic syndrome; Hereditary Cancer Syndrome. Identifiers: Orphanet 140162, MedGen C0027672, MeSH D009386, MONDO:0015356.
Ataxia-telangiectasia syndrome (AT). Also called: Ataxia-telangiectasia, complementation group D; AT, COMPLEMENTATION GROUP C; Cerebello-oculocutaneous telangiectasia; Immunodeficiency with ataxia telangiectasia; ATAXIA-TELANGIECTASIA, COMPLEMENTATION GROUP A; ATAXIA-TELANGIECTASIA, FRESNO VARIANT. Identifiers: Orphanet 100, MedGen C0004135, MONDO:0008840, OMIM 208900.

Allele frequency attached by ClinVar (database versions not stated): gnomAD 0.00001 and 0.00003; ExAC 0.00002; gnomAD exomes 0.00003; TOPMed 0.00004.

Submissions (15):

Dasa
Classification: Likely benign for ATM-related cancer predisposition. Last evaluated: 2026-04-15. Review status: criteria provided, single submitter. Criteria: DASA Assertion Criteria. Collection method: clinical testing. Allele origin: germline.
Comment: NM_000051.4(ATM):c.4802G>A (p.Ser1601Asn) is a missense variant that results in the substitution of serine with asparagine. Population frequency is inconsistent with a disease-causing role for this variant. Computational prediction algorithms are consistent with a benign effect. Therefore, based on the currently available evidence, this variant is classified as likely benign.

Labcorp Genetics (formerly Invitae), Labcorp
Classification: Likely benign for Ataxia-telangiectasia syndrome. Last evaluated: 2026-02-03. Review status: criteria provided, single submitter. Criteria: Invitae Variant Classification Sherloc (09022015). Collection method: clinical testing. Allele origin: germline.

Women's Health and Genetics/Laboratory Corporation of America, LabCorp
Classification: Uncertain significance. Last evaluated: 2025-12-04. Review status: criteria provided, single submitter. Criteria: LabCorp Variant Classification Summary - May 2015. Collection method: clinical testing. Allele origin: germline.
Comment: Variant summary: ATM c.4802G>A (p.Ser1601Asn) results in a conservative amino acid change in the encoded protein sequence. Algorithms developed to predict the effect of missense changes on protein structure and function all suggest that this variant is likely to be tolerated. The variant allele was found at a frequency of 3.3e-05 in 1614376 control chromosomes. This frequency is not significantly higher than estimated for disease-causing variants in ATM, allowing no conclusion about variant significance. c.4802G>A has been observed in individuals affected with Chronic Lymphocytic Leukemia or Breast Cancer, as well as unaffected controls (e.g. Pagila_2010, Skowronska_2011, Dorling_2021, Lampson_2023). These reports do not provide unequivocal conclusions about association of the variant with Ataxia-telangiectasia syndrome. To our knowledge, no experimental evidence demonstrating an impact on protein function has been reported. The following publications have been ascertained in the context of this evaluation (PMID: 11443540, 19404735, 21933854, 33471991, 36315919). ClinVar contains an entry for this variant (Variation ID: 142501). Based on the evidence outlined above, the variant was classified as uncertain significance.

PreventionGenetics, part of Exact Sciences
Classification: Likely benign for ATM-related condition. Last evaluated: 2025-11-11. Review status: criteria provided, single submitter. Criteria: ACMG Guidelines, 2015. Collection method: clinical testing. Allele origin: germline.
Comment: This variant is classified as likely benign based on ACMG/AMP sequence variant interpretation guidelines (Richards et al. 2015 PMID: 25741868, with internal and published modifications).

Quest Diagnostics Nichols Institute San Juan Capistrano
Classification: Uncertain significance. Last evaluated: 2024-11-05. Review status: criteria provided, single submitter. Criteria: Quest Diagnostics criteria. Collection method: clinical testing. Allele origin: unknown.
Comment: The ATM c.4802G>A (p.Ser1601Asn) variant has been reported in the published literature in individuals with melanoma (PMID: 34262154 (2021)), ovarian cancer (PMID: 33280026 (2021)), breast cancer (PMID: 28779002 (2017), 33471991 (2021), 19404735 (2010), see also LOVD), and chronic lymphocytic leukemia (CLL) (PMID: 21933854 (2011)). This variant has also been identified in reportedly healthy individuals (PMID: 34262154 (2021), 33471991 (2021), 33471991 (2021), 19404735 (2010), see also LOVD), see also LOVD). The frequency of this variant in the general population, 0.013 (4/316 chromosomes in Middle Eastern subpopulation (Genome Aggregation Database)), is higher than would generally be expected for pathogenic variants in this gene. Analysis of this variant using bioinformatics tools for the prediction of the effect of amino acid changes on protein structure and function yielded predictions that this variant is benign. Based on the available information, we are unable to determine the clinical significance of this variant.

Blueprint Genetics
Classification: Likely benign. Last evaluated: 2024-10-15. Review status: criteria provided, single submitter. Criteria: ACMG Guidelines, 2015. Collection method: clinical testing. Allele origin: germline.

Color Diagnostics, LLC DBA Color Health
Classification: Likely benign for Hereditary cancer-predisposing syndrome. Last evaluated: 2024-09-19. Review status: criteria provided, single submitter. Criteria: ACMG Guidelines, 2015. Collection method: clinical testing. Allele origin: germline.

GeneDx
Classification: Uncertain significance. Last evaluated: 2024-07-30. Review status: criteria provided, single submitter. Criteria: GeneDx Variant Classification Process June 2021. Collection method: clinical testing. Allele origin: germline. Affected: yes.
Comment: Observed in individuals with breast cancer, melanoma, or leukemia, and also in unaffected control subjects (PMID: 19404735, 21933854, 28779002, 33471991, 34262154); In silico analysis indicates that this missense variant does not alter protein structure/function; Not observed at significant frequency in large population cohorts (gnomAD); This variant is associated with the following publications: (PMID: 19404735, 21933854, 11443540, 28779002, 33280026, 33471991, 34262154)

Department of Pathology and Laboratory Medicine, Sinai Health System
Classification: Uncertain significance for Familial colorectal cancer type X. Last evaluated: 2023-12-18. Review status: criteria provided, single submitter. Criteria: ACMG Guidelines, 2015. Collection method: clinical testing. Allele origin: germline. Affected: yes.

Athena Diagnostics
Classification: Uncertain significance. Last evaluated: 2023-03-31. Review status: criteria provided, single submitter. Criteria: Athena Diagnostics Criteria. Collection method: clinical testing. Allele origin: unknown.
Comment: Available data are insufficient to determine the clinical significance of the variant at this time. The frequency of this variant in the general population is higher than would generally be expected for pathogenic variants in this gene. Computational tools predict that this variant is not damaging.

Sema4
Classification: Uncertain significance for Hereditary cancer-predisposing syndrome. Last evaluated: 2022-03-01. Review status: criteria provided, single submitter. Criteria: Sema4 Curation Guidelines. Collection method: curation. Allele origin: germline.
Comment: The ATM c.4802G>A (p.S1601N) variant has been reported in individuals with leukemia, polyposis, and breast or ovarian cancer (PMID: 33471991, 19404735, 21933854, 33280026, 28779002). It has also been identified in healthy controls (PMID: 33471991). It was observed in 7/251276 chromosomes of the large and broad cohorts of the Genome Aggregation Database (PMID: 32461654). The variant has been reported in ClinVar (Variation ID 142501). In silico tools suggest that the impact of the variant on protein function is benign, though these predictions have not been confirmed by functional studies. The evidence is insufficient to meet ACMG/AMP criteria for classifying the variant as benign or pathogenic. Thus, the clinical significance of this variant is currently uncertain.

Genome-Nilou Lab
Classification: Likely benign for Ataxia-telangiectasia syndrome. Last evaluated: 2021-05-18. Review status: criteria provided, single submitter. Criteria: ACMG Guidelines, 2015. Collection method: clinical testing. Allele origin: germline. Affected: no.

Spanish ATM Cancer Susceptibility Variant Interpretation Working Group
Classification: Uncertain significance for Hereditary cancer-predisposing syndrome. Last evaluated: 2020-06-17. Review status: criteria provided, single submitter. Criteria: Feliubadaló L et al. (Clin Chem 2021). Collection method: clinical testing. Allele origin: germline. Affected: yes. Observed: 2 heterozygotes. Clinical features observed: Ovarian cancer, Adenomas, multiple colorectal.
Comment: The c.4802G>A (p.Ser1601Asn) variant has an allele frequency of 0.000029 (0.003%, 7/236,740 alleles) in the gnomAD v2.1.1 non-cancer dataset, with a maximal frequency of 0.000058 (0.006%, 2/34,254 alleles) in the Latino / Admixed American subpopulation (no population frequency criterion met). It is not predicted to lead to a splicing alteration as per SPiCE predictor and no splicing site is created/activated according to at least 3 splicing predictors of the set SpliceSiteFinderlike - MaxEntScan - NNSplice - GeneSplicer. Also, this missense variant does not alter the protein function / structure on the in-silico prediction reports of REVEL and Vest4 (BP4). There is no other supporting data that meet criteria for consideration. Therefore, the clinical significance of this variant is uncertain. Adapted ACMG/AMP rules applied as defined by the Spanish ATM working group: BP4 (PMID: 33280026).

Ambry Genetics
Classification: Likely benign for Hereditary cancer-predisposing syndrome. Last evaluated: 2019-05-04. Review status: criteria provided, single submitter. Criteria: Ambry Variant Classification Scheme 2023. Collection method: clinical testing. Allele origin: germline.

Mendelics
Classification: Uncertain significance for Ataxia-telangiectasia syndrome. Last evaluated: 2018-07-02. Review status: criteria provided, single submitter. Criteria: Mendelics Assertion Criteria 2017. Collection method: clinical testing. Allele origin: unknown.

Literature cited by the submitters: PubMed 11443540 (cited by 4 submitters); PubMed 19404735 (cited by 5 submitters); PubMed 21933854 (cited by 5 submitters); PubMed 33471991 (cited by 4 submitters); PubMed 36315919 (cited by Women's Health and Genetics/Laboratory Corporation of America, LabCorp); PubMed 33280026 (cited by 4 submitters); PubMed 34262154 (cited by Quest Diagnostics Nichols Institute San Juan Capistrano); PubMed 28779002 (cited by 4 submitters).

NM_000051.4(ATM):c.4802G>A (p.Ser1601Asn)

Gene: ATM (ATM serine/threonine kinase; plus strand). Cytogenetic location: 11q22.3.
Variant type: single nucleotide variant.
Coding change: c.4802G>A on transcript NM_000051.4 (MANE Select); coding-DNA position 4802, G replaced by A.
Protein change: p.Ser1601Asn; replaces serine 1601 with asparagine.
Molecular consequence: missense variant.
Genome position (GRCh38, 1-based): chr11:108,294,952, G>A. VCF-style: chr11-108294952-G-A. GRCh37 (hg19) VCF-style: chr11-108165679-G-A.
Other names: c.4802G>A, p.Ser1601Asn (NM_001351834.2); short protein forms S1601N.
Identifiers: ClinVar variation 142501 (VCV000142501.42), dbSNP rs587782506, ClinGen allele CA168532.
Genomic context (GRCh38, chr11:108,294,952, plus strand): 5'-TACGTGTTAAAAGCAAGTTACATTTTCTCTTTTAGGAAATTAACCATTTTCTCTCAGTAA[G>A]TGTTTATGATGCACTTCCATTGACAAGACTTGAAGGACTAAAGGATCTTCGAAGACAACT-3'
Protein context (NP_000042.3, residues 1591-1611): LEEINHFLSV[Ser1601Asn]VYDALPLTRL